The following is an entry in ClinVar:

ClinVar aggregate classification (germline): Uncertain significance (1 of 4 stars; one submission).

Allele frequency attached by ClinVar (database versions not stated): gnomAD exomes below 0.00001; ExAC 0.00002.
gnomAD v4.1: 5 of 1,613,052 alleles (0.00031%); highest among the groups gnomAD compares: Non-Finnish European, 0.00042%; no homozygotes.

Submission:

Ambry Genetics
Classification: Uncertain significance. Last evaluated: 2023-02-22. Review status: criteria provided, single submitter. Criteria: Ambry Variant Classification Scheme 2023. Collection method: clinical testing. Allele origin: germline.
Comment: The c.1894A>G (p.N632D) alteration is located in exon (coding exon ) of the SH3RF3 gene. This alteration results from a A to G substitution at nucleotide position 1894, causing the asparagine (N) at amino acid position 632 to be replaced by an aspartic acid (D). Based on insufficient or conflicting evidence, the clinical significance of this alteration remains unclear.

NM_001099289.3(SH3RF3):c.1894A>G (p.Asn632Asp)

Genes: RANBP2 (RAN binding protein 2; plus strand), SH3RF3 (SH3 domain containing ring finger 3; plus strand). Cytogenetic location: 2q13.
Variant type: single nucleotide variant.
Coding change: c.1894A>G on transcript NM_001099289.3 (MANE Select); coding-DNA position 1894, A replaced by G.
Protein change: p.Asn632Asp; replaces asparagine 632 with aspartic acid.
Molecular consequence: missense variant.
Genome position (GRCh38, 1-based): chr2:109,449,235, A>G. VCF-style: chr2-109449235-A-G. GRCh37 (hg19) VCF-style: chr2-110065691-A-G.
Other names: short protein forms N632D.
Identifiers: ClinVar variation 2487677 (VCV002487677.2), dbSNP rs752088203, ClinGen allele CA1825790.